The following is an entry in ClinVar:

NM_002473.6(MYH9):c.2061C>T (p.Leu687=)

Gene: MYH9 (myosin heavy chain 9; minus strand). Cytogenetic location: 22q12.3.
Variant type: single nucleotide variant.
Coding change: c.2061C>T on transcript NM_002473.6 (MANE Select); coding-DNA position 2061, C replaced by T.
Protein change: p.Leu687=; no amino-acid change (leucine 687 retained).
Molecular consequence: synonymous variant.
Genome position (GRCh38, 1-based): chr22:36,306,028, G>A on the plus strand (C>T on the coding strand, the complement: MYH9 is on the minus strand). VCF-style: chr22-36306028-G-A. GRCh37 (hg19) VCF-style: chr22-36702074-G-A.
Identifiers: ClinVar variation 44554 (VCV000044554.16), dbSNP rs143801000, ClinGen allele CA134516.

ClinVar aggregate classification (germline): Benign/Likely benign. Review status: criteria provided, multiple submitters, no conflicts (2 of 4 stars). 6 submissions from 5 submitters: Benign (3); Likely benign (3). Last evaluated 2025-12-06.

Conditions:
MYH9-related disorder. Identifiers: MedGen C1854520.
Autosomal dominant nonsyndromic hearing loss 17. Also called: Deafness, autosomal dominant 17; Autosomal dominant nonsyndromic deafness 17. Identifiers: Orphanet 90635, MedGen C1863659, MONDO:0011350, OMIM 603622.

Allele frequency attached by ClinVar (database versions not stated): gnomAD 0.00022 and 0.00032; ESP Exome Variant Server 0.00023; TOPMed 0.00034; gnomAD exomes 0.00051; ExAC 0.00057; 1000 Genomes Project 30x 0.00125; 1000 Genomes Project 0.00160.
gnomAD v4.1: 389 of 1,613,322 alleles (0.024%); highest among the groups gnomAD compares: East Asian, 0.35%; 1 homozygote.

Submissions (6):

Labcorp Genetics (formerly Invitae), Labcorp
Classification: Benign. Last evaluated: 2025-12-06. Review status: criteria provided, single submitter. Criteria: Invitae Variant Classification Sherloc (09022015). Collection method: clinical testing. Allele origin: germline.

Blueprint Genetics
Classification: Likely benign. Last evaluated: 2024-11-05. Review status: criteria provided, single submitter. Criteria: ACMG Guidelines, 2015. Collection method: clinical testing. Allele origin: germline.

GeneDx
Classification: Likely benign. Last evaluated: 2020-10-27. Review status: criteria provided, single submitter. Criteria: GeneDx Variant Classification Process June 2021. Collection method: clinical testing. Allele origin: germline. Affected: yes.

Illumina Laboratory Services, Illumina
Classification: Benign for MYH9-related disorder. Last evaluated: 2018-01-12. Review status: criteria provided, single submitter. Criteria: ICSL Variant Classification Criteria 13 December 2019. Collection method: clinical testing. Allele origin: germline.
Comment: This variant was observed in the ICSL laboratory as part of a predisposition screen in an ostensibly healthy population. It had not been previously curated by ICSL or reported in the Human Gene Mutation Database (HGMD: prior to June 1st, 2018), and was therefore a candidate for classification through an automated scoring system. Utilizing variant allele frequency, disease prevalence and penetrance estimates, and inheritance mode, an automated score was calculated to assess if this variant is too frequent to cause the disease. Based on the score and internal cut-off values, a variant classified as benign is not then subjected to further curation. The score for this variant resulted in a classification of benign for this disease.

Illumina Laboratory Services, Illumina
Classification: Likely benign for Autosomal dominant nonsyndromic hearing loss 17. Last evaluated: 2018-01-12. Review status: criteria provided, single submitter. Criteria: ICSL Variant Classification Criteria 13 December 2019. Collection method: clinical testing. Allele origin: germline.
Comment: This variant was observed in the ICSL laboratory as part of a predisposition screen in an ostensibly healthy population. It had not been previously curated by ICSL or reported in the Human Gene Mutation Database (HGMD: prior to June 1st, 2018), and was therefore a candidate for classification through an automated scoring system. Utilizing variant allele frequency, disease prevalence and penetrance estimates, and inheritance mode, an automated score was calculated to assess if this variant is too frequent to cause the disease. Based on the score and internal cut-off values, a variant classified as likely benign is not then subjected to further curation. The score for this variant resulted in a classification of likely benign for this disease.

Laboratory for Molecular Medicine, Mass General Brigham Personalized Medicine
Classification: Benign. Last evaluated: 2015-02-02. Review status: criteria provided, single submitter. Criteria: LMM Criteria. Collection method: clinical testing. Allele origin: germline. Observed: 3 variant alleles.
Comment: p.Leu687Leu in exon 17 of MYH9: This variant is not expected to have clinical si gnificance because it does not alter an amino acid residue, is not located withi n the splice consensus sequence, and has been identified in 0.5% (47/8608) of Ea st Asian chromosomes by the Exome Aggregation Consortium (ExAC; dbSNP rs143801000).